The following is an entry in ClinVar:

NM_015374.3(SUN2):c.1746G>T (p.Trp582Cys)

Genes: SUN2 (Sad1 and UNC84 domain containing 2; minus strand), GTPBP1 (GTP binding protein 1; plus strand). Cytogenetic location: 22q13.1.
Variant type: single nucleotide variant.
Coding change: c.1746G>T on transcript NM_015374.3 (MANE Select); coding-DNA position 1746, G replaced by T.
Protein change: p.Trp582Cys; replaces tryptophan 582 with cysteine.
Molecular consequence: missense variant.
Genome position (GRCh38, 1-based): chr22:38,738,906, C>A on the plus strand (G>T on the coding strand, the complement: SUN2 is on the minus strand). VCF-style: chr22-38738906-C-A. GRCh37 (hg19) VCF-style: chr22-39134911-C-A.
Other names: c.1809G>T, p.Trp603Cys (NM_001199579.2, NM_001394428.1); c.1746G>T, p.Trp582Cys (NM_001199580.2, NM_001394431.1, NM_001394432.1 and 3 more transcripts); c.1839G>T, p.Trp613Cys (NM_001394427.1); c.1791G>T, p.Trp597Cys (NM_001394429.1, NM_001394430.1); c.1743G>T, p.Trp581Cys (NM_001394436.1, NM_001394437.1); c.1656G>T, p.Trp552Cys (NM_001394438.1); c.1608G>T, p.Trp536Cys (NM_001394439.1, NM_001394440.1, NM_001394441.1); c.1347G>T, p.Trp449Cys (NM_001394442.1); and 2 more; short protein forms W552C, W582C, W613C, W390C, W581C, W597C, W449C, W603C.
Identifiers: ClinVar variation 1484648 (VCV001484648.8), dbSNP rs1370457089, ClinGen allele CA411583629.
Genomic context (GRCh38, chr22:38,738,906, plus strand): 5'-CCGCTGCTGTGCTTGCCAGGTGCCCACCTGGAGGATGACTCGGGGTGACTGGGAGTGGTA[C>A]CACAGGGGGATGCCGAAGAGGCTGAGGAGGGCCGTCTTGGTCTCGTAGGTCTCAGAACAT-3'
Protein context (NP_056189.1, residues 572-592): ALLSLFGIPL[Trp582Cys]YHSQSPRVIL

ClinVar aggregate classification (germline): Uncertain significance (1 of 4 stars; one submission).

Conditions:
Emery-Dreifuss muscular dystrophy (EDMD). Also called: Scapuloperoneal syndrome, X-linked (formerly); Humeroperoneal neuromuscular disease, (formerly). Identifiers: Orphanet 261, MedGen C0410189, MONDO:0016830.

Allele frequency attached by ClinVar (database versions not stated): gnomAD exomes below 0.00001; gnomAD 0.00001.
gnomAD v4.1: 3 of 1,611,202 alleles (0.00019%); highest among the groups gnomAD compares: Non-Finnish European, 0.00025%; no homozygotes.

Submission:

Labcorp Genetics (formerly Invitae), Labcorp
Classification: Uncertain significance for Emery-Dreifuss muscular dystrophy. Last evaluated: 2020-12-10. Review status: criteria provided, single submitter. Criteria: Invitae Variant Classification Sherloc (09022015). Collection method: clinical testing. Allele origin: germline.
Comment: In summary, the available evidence is currently insufficient to determine the role of this variant in disease. Therefore, it has been classified as a Variant of Uncertain Significance. Algorithms developed to predict the effect of missense changes on protein structure and function (SIFT, PolyPhen-2, Align-GVGD) all suggest that this variant is likely to be disruptive, but these predictions have not been confirmed by published functional studies and their clinical significance is uncertain. This variant has not been reported in the literature in individuals with SUN2-related conditions. This variant is not present in population databases (ExAC no frequency). This sequence change replaces tryptophan with cysteine at codon 582 of the SUN2 protein (p.Trp582Cys). The tryptophan residue is highly conserved and there is a large physicochemical difference between tryptophan and cysteine.